The following is an entry in ClinVar:

NM_001283009.2(RTEL1):c.2603C>T (p.Ala868Val)

Genes: RTEL1 (regulator of telomere elongation helicase 1; plus strand), RTEL1-TNFRSF6B (RTEL1-TNFRSF6B readthrough (NMD candidate); plus strand). Cytogenetic location: 20q13.33.
Variant type: single nucleotide variant.
Coding change: c.2603C>T on transcript NM_001283009.2 (MANE Select); coding-DNA position 2603, C replaced by T.
Protein change: p.Ala868Val; replaces alanine 868 with valine.
Molecular consequence: missense variant. On other transcripts: non-coding transcript variant (1).
Genome position (GRCh38, 1-based): chr20:63,691,788, C>T. VCF-style: chr20-63691788-C-T. GRCh37 (hg19) VCF-style: chr20-62323141-C-T.
Other names: c.1934C>T, p.Ala645Val (NM_001283010.1); c.2603C>T, p.Ala868Val (NM_016434.4); c.2675C>T, p.Ala892Val (NM_032957.5); short protein forms A645V, A892V, A868V.
Identifiers: ClinVar variation 5028529 (VCV005028529.1).

ClinVar aggregate classification (germline): Uncertain significance (1 of 4 stars; one submission).

Conditions:
Inborn genetic diseases. Identifiers: MedGen C0950123, MeSH D030342.

Submission:

Ambry Genetics
Classification: Uncertain significance for Inborn genetic diseases. Last evaluated: 2026-08-31. Review status: criteria provided, single submitter. Criteria: Ambry Variant Classification Scheme 2023. Collection method: clinical testing. Allele origin: germline.
Comment: The p.A868V variant (also known as c.2603C>T), located in coding exon 27 of the RTEL1 gene, results from a C to T substitution at nucleotide position 2603. The alanine at codon 868 is replaced by valine, an amino acid with similar properties. This amino acid position is conserved. In addition, this alteration is predicted to be tolerated by in silico analysis. Based on the available evidence, the clinical significance of this variant remains unclear.